The following is an entry in ClinVar:

ClinVar aggregate classification (germline): Uncertain significance (1 of 4 stars; one submission).

Submission:

GeneDx
Classification: Uncertain significance. Last evaluated: 2026-03-06. Review status: criteria provided, single submitter. Criteria: GeneDx Variant Classification Process June 2021. Collection method: clinical testing. Allele origin: germline.
Comment: Not observed at significant frequency in large population cohorts (gnomAD); In silico analysis suggests that this missense variant does not alter protein structure/function; Has not been previously published as pathogenic or benign to our knowledge

NM_006035.4(CDC42BPB):c.3946G>C (p.Gly1316Arg)

Gene: CDC42BPB (CDC42 binding protein kinase beta; minus strand). Cytogenetic location: 14q32.32.
Variant type: single nucleotide variant.
Coding change: c.3946G>C on transcript NM_006035.4 (MANE Select); coding-DNA position 3946, G replaced by C.
Protein change: p.Gly1316Arg; replaces glycine 1316 with arginine.
Molecular consequence: missense variant.
Genome position (GRCh38, 1-based): chr14:102,944,353, C>G on the plus strand (G>C on the coding strand, the complement: CDC42BPB is on the minus strand). VCF-style: chr14-102944353-C-G. GRCh37 (hg19) VCF-style: chr14-103410690-C-G.
Other names: c.3868G>C, p.Gly1290Arg (NM_001411054.1); short protein forms G1290R, G1316R.
Identifiers: ClinVar variation 5008728 (VCV005008728.1).